The following is an entry in ClinVar:

NM_001035.3(RYR2):c.9692T>C (p.Met3231Thr)

Gene: RYR2 (ryanodine receptor 2; plus strand). Cytogenetic location: 1q43.
Variant type: single nucleotide variant.
Coding change: c.9692T>C on transcript NM_001035.3 (MANE Select); coding-DNA position 9692, T replaced by C.
Protein change: p.Met3231Thr; replaces methionine 3231 with threonine.
Molecular consequence: missense variant.
Genome position (GRCh38, 1-based): chr1:237,707,060, T>C. VCF-style: chr1-237707060-T-C. GRCh37 (hg19) VCF-style: chr1-237870360-T-C.
Other names: c.9692T>C, p.Met3231Thr (LRG_402t1); short protein forms M3231T.
Identifiers: ClinVar variation 566068 (VCV000566068.17), dbSNP rs1472732790, ClinGen allele CA345408578.
Genomic context (GRCh38, chr1:237,707,060, plus strand): 5'-TGGAGAAACTCATGGAAGAAATCGTGGAATTAGCCGAGTCCGGCATTCGCTACACTCAAA[T>C]GCCACATGTCATGGAAGTCATACTGCCCATGCTTTGCAGCTACATGTCTCGTTGGTGGGA-3'
Protein context (NP_001026.2, residues 3221-3241): LAESGIRYTQ[Met3231Thr]PHVMEVILPM

ClinVar aggregate classification (germline): Uncertain significance. Review status: criteria provided, multiple submitters, no conflicts (2 of 4 stars). 5 submissions from 5 submitters: Uncertain significance (5). Last evaluated 2023-08-04.

Conditions:
Cardiomyopathy (CMYO). Also called: Cardiomyopathies. Identifiers: Orphanet 167848, MedGen C0878544, MONDO:0004994, HP:0001638. Inheritance: Various modes of inheritance.
Catecholaminergic polymorphic ventricular tachycardia 1. Also called: RYR2-Related Catecholaminergic Polymorphic Ventricular Tachycardia; VENTRICULAR TACHYCARDIA, CATECHOLAMINERGIC POLYMORPHIC, 1, WITH OR WITHOUT ATRIAL DYSFUNCTION AND/OR DILATED CARDIOMYOPATHY; VENTRICULAR TACHYCARDIA, STRESS-INDUCED POLYMORPHIC 1. Identifiers: Orphanet 3286, MedGen C1631597, MONDO:0011484, OMIM 604772.
Arrhythmogenic right ventricular dysplasia 2. Identifiers: MedGen C1832931.
Ventricular arrhythmias due to cardiac ryanodine receptor calcium release deficiency syndrome. Also called: Autosomal dominant cardiac arrhythmia (Kuhn). Identifiers: MedGen C5542154, MONDO:0020745, OMIM 115000.
Catecholaminergic polymorphic ventricular tachycardia (CVPT). Also called: Catecholamine-induced polymorphic ventricular tachycardia. Identifiers: Orphanet 3286, MedGen C5574922, MONDO:0017990.
Cardiovascular phenotype. Identifiers: MedGen CN230736.

Allele frequency attached by ClinVar (database versions not stated): gnomAD exomes below 0.00001 and 0.00001; gnomAD 0.00001; TOPMed 0.00001.
gnomAD v4.1: 6 of 1,613,796 alleles (0.00037%); highest among the groups gnomAD compares: Non-Finnish European, 0.00034%; no homozygotes.

Submissions (5):

Labcorp Genetics (formerly Invitae), Labcorp
Classification: Uncertain significance for Catecholaminergic polymorphic ventricular tachycardia 1. Last evaluated: 2023-08-04. Review status: criteria provided, single submitter. Criteria: Invitae Variant Classification Sherloc (09022015). Collection method: clinical testing. Allele origin: germline.
Comment: This sequence change replaces methionine, which is neutral and non-polar, with threonine, which is neutral and polar, at codon 3231 of the RYR2 protein (p.Met3231Thr). This variant is present in population databases (no rsID available, gnomAD 0.01%). This variant has not been reported in the literature in individuals affected with RYR2-related conditions. ClinVar contains an entry for this variant (Variation ID: 566068). Advanced modeling of protein sequence and biophysical properties (such as structural, functional, and spatial information, amino acid conservation, physicochemical variation, residue mobility, and thermodynamic stability) performed at Invitae indicates that this missense variant is not expected to disrupt RYR2 protein function. In summary, the available evidence is currently insufficient to determine the role of this variant in disease. Therefore, it has been classified as a Variant of Uncertain Significance.

All of Us Research Program, National Institutes of Health
Classification: Uncertain significance for Catecholaminergic polymorphic ventricular tachycardia. Last evaluated: 2023-05-04. Review status: criteria provided, single submitter. Criteria: ACMG Guidelines, 2015. Collection method: clinical testing. Allele origin: germline. Inheritance: Autosomal dominant inheritance. Observed: 1 variant allele, 1 heterozygote.
Comment: This missense variant replaces methionine with threonine at codon 3231 of the RYR2 protein. Computational prediction suggests that this variant may not impact protein structure and function (internally defined REVEL score threshold <= 0.5, PMID: 27666373). To our knowledge, functional studies have not been reported for this variant. This variant has not been reported in individuals affected with cardiovascular disorders in the literature. This variant has been identified in 2/249094 chromosomes in the general population by the Genome Aggregation Database (gnomAD). The available evidence is insufficient to determine the role of this variant in disease conclusively. Therefore, this variant is classified as a Variant of Uncertain Significance.

This study involves interpretation of variants in research participants for the purpose of population health screening. Participant phenotype was not available at the time of variant classification. Additional details can be found in publication PMID: 35346344, PMCID: PMC8962531

Color Diagnostics, LLC DBA Color Health
Classification: Uncertain significance for Cardiomyopathy. Last evaluated: 2023-04-21. Review status: criteria provided, single submitter. Criteria: ACMG Guidelines, 2015. Collection method: clinical testing. Allele origin: germline.
Comment: This missense variant replaces methionine with threonine at codon 3231 of the RYR2 protein. Computational prediction suggests that this variant may not impact protein structure and function (internally defined REVEL score threshold <= 0.5, PMID: 27666373). To our knowledge, functional studies have not been reported for this variant. This variant has not been reported in individuals affected with RYR2-related disorders in the literature. This variant has been identified in 2/249094 chromosomes in the general population by the Genome Aggregation Database (gnomAD). The available evidence is insufficient to determine the role of this variant in disease conclusively. Therefore, this variant is classified as a Variant of Uncertain Significance.

Ambry Genetics
Classification: Uncertain significance for Cardiovascular phenotype. Last evaluated: 2023-02-03. Review status: criteria provided, single submitter. Criteria: Ambry Variant Classification Scheme 2023. Collection method: clinical testing. Allele origin: germline.
Comment: The p.M3231T variant (also known as c.9692T>C), located in coding exon 68 of the RYR2 gene, results from a T to C substitution at nucleotide position 9692. The methionine at codon 3231 is replaced by threonine, an amino acid with similar properties. This alteration has been reported in a whole exome sequencing cohort (Landstrom AP et al. Circ Arrhythm Electrophysiol, 2017 Apr;10:). This amino acid position is well conserved in available vertebrate species. In addition, the in silico prediction for this alteration is inconclusive. Since supporting evidence is limited at this time, the clinical significance of this alteration remains unclear.

Fulgent Genetics
Classification: Uncertain significance for Ventricular arrhythmias due to cardiac ryanodine receptor calcium release deficiency syndrome; Catecholaminergic polymorphic ventricular tachycardia 1. Last evaluated: 2021-10-31. Review status: criteria provided, single submitter. Criteria: ACMG Guidelines, 2015. Collection method: clinical testing. Allele origin: unknown.

Literature cited by the submitters: PubMed 28404607 (cited by Ambry Genetics).